The following is an entry in ClinVar:

ClinVar aggregate classification (germline): Pathogenic/Likely pathogenic. Review status: criteria provided, multiple submitters, no conflicts (2 of 4 stars). 3 submissions from 3 submitters: Pathogenic (1); Likely pathogenic (2). Last evaluated 2026-05-21.

Conditions:
MSH6-related disorder. Also called: MSH6-related condition; MSH6-Related disorders.
Hereditary nonpolyposis colorectal neoplasms. Identifiers: MedGen C0009405, MeSH D003123.
Hereditary cancer-predisposing syndrome. Also called: Neoplastic Syndromes, Hereditary; Hereditary Cancer Syndrome; Tumor predisposition; Hereditary neoplastic syndrome. Identifiers: Orphanet 140162, MedGen C0027672, MeSH D009386, MONDO:0015356.

Submissions (3):

Ambry Genetics
Classification: Likely pathogenic for Hereditary cancer-predisposing syndrome. Last evaluated: 2026-05-21. Review status: criteria provided, single submitter. Criteria: Ambry Variant Classification Scheme 2023. Collection method: clinical testing. Allele origin: germline.
Comment: The p.K853N variant (also known as c.2559G>C), located in coding exon 4 of the MSH6 gene, results from a G to C substitution at nucleotide position 2559. The lysine at codon 853 is replaced by asparagine, an amino acid with similar properties. This variant has been detected in multiple families meeting Amsterdam criteria and co-segregated with disease in at least one family and tumor results for several affected family members showed isolated loss of MSH6 expression on immunohistochemistry (IHC) (Ambry internal data). This variant is considered to be rare based on population cohorts in the Genome Aggregation Database (gnomAD). This amino acid position is not well conserved in available vertebrate species. In addition, the in silico prediction for this alteration is inconclusive. Based on the majority of available evidence to date, this variant is likely to be pathogenic.

PreventionGenetics, part of Exact Sciences
Classification: Likely pathogenic for MSH6-related condition. Last evaluated: 2026-04-29. Review status: criteria provided, single submitter. Criteria: ACMG Guidelines, 2015. Collection method: clinical testing. Allele origin: germline.
Comment: The MSH6 c.2559G>C variant is predicted to result in the amino acid substitution p.Lys853Asn. To our knowledge, this variant has not been reported in the literature or in a large population database (gnomAD), indicating this variant is rare. This variant has been identified in several individuals and families with clinical features consistent with Lynch syndrome (external communication). It is classified as likely pathogenic and pathogenic in ClinVar (Variation ID: 486911). This variant is interpreted as likely pathogenic.

Labcorp Genetics (formerly Invitae), Labcorp
Classification: Pathogenic for Hereditary nonpolyposis colorectal neoplasms. Last evaluated: 2025-06-23. Review status: criteria provided, single submitter. Criteria: Invitae Variant Classification Sherloc (09022015). Collection method: clinical testing. Allele origin: germline.
Comment: This sequence change replaces lysine, which is basic and polar, with asparagine, which is neutral and polar, at codon 853 of the MSH6 protein (p.Lys853Asn). This variant is not present in population databases (gnomAD no frequency). This missense change has been observed in individual(s) with Lynch syndrome-associated cancer (internal data). It has also been observed to segregate with disease in related individuals. ClinVar contains an entry for this variant (Variation ID: 486911). Invitae Evidence Modeling incorporating data from in vitro experimental studies (internal data) indicates that this missense variant is not expected to disrupt MSH6 function with a negative predictive value of 95%. For these reasons, this variant has been classified as Pathogenic.

NM_000179.3(MSH6):c.2559G>C (p.Lys853Asn)

Gene: MSH6 (mutS homolog 6; plus strand). Cytogenetic location: 2p16.3.
Variant type: single nucleotide variant.
Coding change: c.2559G>C on transcript NM_000179.3 (MANE Select); coding-DNA position 2559, G replaced by C.
Protein change: p.Lys853Asn; replaces lysine 853 with asparagine.
Molecular consequence: missense variant.
Genome position (GRCh38, 1-based): chr2:47,800,542, G>C. VCF-style: chr2-47800542-G-C. GRCh37 (hg19) VCF-style: chr2-48027681-G-C.
Other names: c.2169G>C, p.Lys723Asn (NM_001281492.2); c.1653G>C, p.Lys551Asn (NM_001281493.2, NM_001281494.2); short protein forms K853N, K723N, K551N.
Identifiers: ClinVar variation 486911 (VCV000486911.16), dbSNP rs765873566, ClinGen allele CA346754639.